The following is an entry in ClinVar:

ClinVar aggregate classification (germline): Conflicting classifications of pathogenicity. Review status: criteria provided, conflicting classifications (1 of 4 stars). 2 submissions from 2 submitters: Uncertain significance (1); Likely benign (1). Last evaluated 2025-02-28.

Conditions:
Pheochromocytoma/paraganglioma syndrome 5. Also called: Paragangliomas 5; SDHA-Related Hereditary Paraganglioma-Pheochromocytoma Syndrome. Identifiers: Orphanet 29072, MedGen C3279992, MONDO:0013602, OMIM 614165.
Mitochondrial complex II deficiency, nuclear type 1. Also called: SUCCINATE CoQ REDUCTASE DEFICIENCY. Identifiers: Orphanet 3208, MedGen C5700310, MONDO:0100294, OMIM 252011.

Submissions (2):

Myriad Genetics, Inc.
Classification: Likely benign for Pheochromocytoma/paraganglioma syndrome 5. Last evaluated: 2025-02-28. Review status: criteria provided, single submitter. Criteria: Myriad Autosomal Dominant, Autosomal Recessive and X-Linked Classification Criteria (2023). Collection method: clinical testing. Allele origin: unknown.
Comment: This variant is considered likely benign. This variant is intronic and is not expected to impact mRNA splicing.

Labcorp Genetics (formerly Invitae), Labcorp
Classification: Uncertain significance for Pheochromocytoma/paraganglioma syndrome 5; Mitochondrial complex II deficiency, nuclear type 1. Last evaluated: 2023-07-17. Review status: criteria provided, single submitter. Criteria: Invitae Variant Classification Sherloc (09022015). Collection method: clinical testing. Allele origin: germline.
Comment: ClinVar contains an entry for this variant (Variation ID: 2009179). In summary, the available evidence is currently insufficient to determine the role of this variant in disease. Therefore, it has been classified as a Variant of Uncertain Significance. Algorithms developed to predict the effect of sequence changes on RNA splicing suggest that this variant may create or strengthen a splice site. This variant has not been reported in the literature in individuals affected with SDHA-related conditions. This variant is not present in population databases (gnomAD no frequency). This sequence change falls in intron 3 of the SDHA gene. It does not directly change the encoded amino acid sequence of the SDHA protein.

NM_004168.4(SDHA):c.313-13T>C

Gene: SDHA (succinate dehydrogenase complex flavoprotein subunit A; plus strand). Cytogenetic location: 5p15.33.
Variant type: single nucleotide variant.
Coding change: c.313-13T>C on transcript NM_004168.4 (MANE Select); 13 bases into the intron before coding-DNA position 313, T replaced by C.
Molecular consequence: intron variant.
Genome position (GRCh38, 1-based): chr5:225,406, T>C. VCF-style: chr5-225406-T-C. GRCh37 (hg19) VCF-style: chr5-225521-T-C.
Other names: c.313-13T>C (NM_001330758.2); c.313-477T>C (NM_001294332.2).
Identifiers: ClinVar variation 2009179 (VCV002009179.5), dbSNP rs750806202, ClinGen allele CA2580073093.
Genomic context (GRCh38, chr5:225,406, plus strand): 5'-GGGTGGATTTGGGCCTGGAAGACAAAGTTGGCGCTCCTGTTTGTGGCTTGTAAGGAGTGG[T>C]TGGTGTTTCCAGGGAGGAATCAATGCTGCTCTGGGGAACATGGAGGAGGACAACTGGAGG-3'